The following is an entry in ClinVar:

ClinVar aggregate classification (germline): Pathogenic/Likely pathogenic. Review status: criteria provided, multiple submitters, no conflicts (2 of 4 stars). 6 submissions from 6 submitters: Pathogenic (3); Likely pathogenic (3). Last evaluated 2025-09-10.

Conditions:
Schimke immuno-osseous dysplasia (SIOD). Also called: Schimke Immunoosseous Dysplasia. Identifiers: Orphanet 1830, MedGen C0877024, MONDO:0009458, OMIM 242900.
SMARCAL1-related disorder. Also called: SMARCAL1-related condition.

Allele frequency attached by ClinVar (database versions not stated): TOPMed below 0.00001.
gnomAD v4.1: 4 of 1,614,014 alleles (0.00025%); highest among the groups gnomAD compares: South Asian, 0.0011%; no homozygotes.

Submissions (6):

Genomic Medicine Center of Excellence, King Faisal Specialist Hospital and Research Centre
Classification: Pathogenic for Schimke immuno-osseous dysplasia. Last evaluated: 2025-09-10. Review status: criteria provided, single submitter. Criteria: ACMG Guidelines, 2015. Collection method: clinical testing. Allele origin: germline.

Natera, Inc.
Classification: Likely pathogenic for Schimke immuno-osseous dysplasia. Last evaluated: 2024-06-20. Review status: criteria provided, single submitter. Criteria: Natera Variant Classification Schema (03/2026). Collection method: clinical testing. Allele origin: germline.
Comment: The c.1687C>T variant in SMARCAL1 is a nonsense variant predicted to introduce a stop codon at amino acid 563. This variant is expected to result in nonsense mediated decay, truncation, or a dysfunctional protein product. This variant is rare in the general population with a frequency below the threshold expected for the associated phenotype(s). Given the available evidence, this variant is classified as Likely Pathogenic.

Fulgent Genetics
Classification: Likely pathogenic for Schimke immuno-osseous dysplasia. Last evaluated: 2024-03-07. Review status: criteria provided, single submitter. Criteria: ACMG Guidelines, 2015. Collection method: clinical testing. Allele origin: germline.

Blueprint Genetics
Classification: Likely pathogenic for SMARCAL1-related disorders. Last evaluated: 2023-03-29. Review status: criteria provided, single submitter. Criteria: ACMG Guidelines, 2015. Collection method: clinical testing. Allele origin: germline. Affected: yes. Observed: 2 variant alleles.

Labcorp Genetics (formerly Invitae), Labcorp
Classification: Pathogenic for Schimke immuno-osseous dysplasia. Last evaluated: 2021-05-07. Review status: criteria provided, single submitter. Criteria: Invitae Variant Classification Sherloc (09022015). Collection method: clinical testing. Allele origin: germline.
Comment: For these reasons, this variant has been classified as Pathogenic. Loss-of-function variants in SMARCAL1 are known to be pathogenic (PMID: 11799392, 20301550). This variant has not been reported in the literature in individuals with SMARCAL1-related conditions. This variant is not present in population databases (ExAC no frequency). This sequence change creates a premature translational stop signal (p.Arg563*) in the SMARCAL1 gene. It is expected to result in an absent or disrupted protein product.

Centre for Mendelian Genomics, University Medical Centre Ljubljana
Classification: Pathogenic for Schimke immuno-osseous dysplasia. Last evaluated: 2019-01-27. Review status: criteria provided, single submitter. Criteria: ACMG Guidelines, 2015. Collection method: clinical testing. Allele origin: unknown. Affected: yes.
Comment: This variant was classified as: Pathogenic. The following ACMG criteria were applied in classifying this variant: PVS1,PM2,PP3,PP5.

Literature cited by the submitters: PubMed 11799392 (cited by Labcorp Genetics (formerly Invitae), Labcorp); PubMed 20301550 (cited by Labcorp Genetics (formerly Invitae), Labcorp).

NM_014140.4(SMARCAL1):c.1687C>T (p.Arg563Ter)

Gene: SMARCAL1 (SNF2 related chromatin remodeling annealing helicase 1; plus strand). Cytogenetic location: 2q35.
Variant type: single nucleotide variant.
Coding change: c.1687C>T on transcript NM_014140.4 (MANE Select); coding-DNA position 1687, C replaced by T.
Protein change: p.Arg563Ter; replaces arginine 563 with a stop codon.
Molecular consequence: nonsense.
Genome position (GRCh38, 1-based): chr2:216,438,462, C>T. VCF-style: chr2-216438462-C-T. GRCh37 (hg19) VCF-style: chr2-217303185-C-T.
Other names: c.1687C>T, p.Arg563Ter (NM_001127207.2); short protein forms R563*.
Identifiers: ClinVar variation 930411 (VCV000930411.15), dbSNP rs1694125419, ClinGen allele CA350501330.